The following is an entry in ClinVar:

ClinVar aggregate classification (germline): Uncertain significance (1 of 4 stars; one submission).

Conditions:
Neurofibromatosis, type 1 (NF1). Also called: NEUROFIBROMATOSIS, TYPE I, SOMATIC; Neurofibromatosis, type I; VON RECKLINGHAUSEN DISEASE; Peripheral type neurofibromatosis. Identifiers: Orphanet 636, MedGen C0027831, MONDO:0018975, OMIM 162200. Disease mechanism: loss of function.

gnomAD v4.1: 1 of 1,613,964 alleles (0.000062%); highest among the groups gnomAD compares: Non-Finnish European, 0.000085%; no homozygotes.

Submission:

Labcorp Genetics (formerly Invitae), Labcorp
Classification: Uncertain significance for Neurofibromatosis, type 1. Last evaluated: 2024-02-17. Review status: criteria provided, single submitter. Criteria: Invitae Variant Classification Sherloc (09022015). Collection method: clinical testing. Allele origin: germline.
Comment: This sequence change replaces arginine, which is basic and polar, with proline, which is neutral and non-polar, at codon 156 of the NF1 protein (p.Arg156Pro). This variant is not present in population databases (gnomAD no frequency). This variant has not been reported in the literature in individuals affected with NF1-related conditions. ClinVar contains an entry for this variant (Variation ID: 1483682). Advanced modeling of protein sequence and biophysical properties (such as structural, functional, and spatial information, amino acid conservation, physicochemical variation, residue mobility, and thermodynamic stability) performed at Invitae indicates that this missense variant is expected to disrupt NF1 protein function with a positive predictive value of 95%. In summary, the available evidence is currently insufficient to determine the role of this variant in disease. Therefore, it has been classified as a Variant of Uncertain Significance.

NM_001042492.3(NF1):c.467G>C (p.Arg156Pro)

Gene: NF1 (neurofibromin 1; plus strand). Cytogenetic location: 17q11.2.
Variant type: single nucleotide variant.
Coding change: c.467G>C on transcript NM_001042492.3 (MANE Select); coding-DNA position 467, G replaced by C.
Protein change: p.Arg156Pro; replaces arginine 156 with proline.
Molecular consequence: missense variant.
Genome position (GRCh38, 1-based): chr17:31,163,364, G>C. VCF-style: chr17-31163364-G-C. GRCh37 (hg19) VCF-style: chr17-29490382-G-C.
Other names: c.467G>C, p.Arg156Pro (NM_001128147.3, NM_000267.4); short protein forms R156P.
Identifiers: ClinVar variation 1483682 (VCV001483682.6), dbSNP rs754096545, ClinGen allele CA398982162.
Genomic context (GRCh38, chr17:31,163,364, plus strand): 5'-ATTCTGCCTCTGGGGTTTTATTTTCTCTCAGCTGCAACAACTTCAATGCAGTCTTTAGTC[G>C]CATTTCTACCAGGTTAGTGTGTAAATCCACATGGGACTACTGAAGTAATATGAATATTAG-3'
Protein context (NP_001035957.1, residues 146-166): SCNNFNAVFS[Arg156Pro]ISTRLQELTV